The following is an entry in ClinVar:

ClinVar aggregate classification (germline): Uncertain significance (1 of 4 stars; one submission).

Submission:

GeneDx
Classification: Uncertain significance. Last evaluated: 2021-04-12. Review status: criteria provided, single submitter. Criteria: GeneDx Variant Classification Process June 2021. Collection method: clinical testing. Allele origin: germline. Affected: yes.
Comment: Not observed in large population cohorts (Lek et al., 2016); In silico analysis supports that this missense variant has a deleterious effect on protein structure/function; Has not been previously published as pathogenic or benign to our knowledge

NM_198904.4(GABRG2):c.1346T>A (p.Met449Lys)

Gene: GABRG2 (gamma-aminobutyric acid type A receptor subunit gamma2; plus strand). Cytogenetic location: 5q34.
Variant type: single nucleotide variant.
Coding change: c.1346T>A on transcript NM_198904.4 (MANE Select); coding-DNA position 1346, T replaced by A.
Protein change: p.Met449Lys; replaces methionine 449 with lysine.
Molecular consequence: missense variant. On other transcripts: 3 prime UTR variant (1).
Genome position (GRCh38, 1-based): chr5:162,153,286, T>A. VCF-style: chr5-162153286-T-A. GRCh37 (hg19) VCF-style: chr5-161580292-T-A.
Other names: c.1322T>A, p.Met441Lys (NM_000816.3); c.1337T>A, p.Met446Lys (NM_001375339.1); c.*180T>A (NM_001375340.1); c.1343T>A, p.Met448Lys (NM_001375341.1); c.1319T>A, p.Met440Lys (NM_001375342.1); c.1442T>A, p.Met481Lys (NM_001375343.1); c.1385T>A, p.Met462Lys (NM_001375344.1); c.1256T>A, p.Met419Lys (NM_001375345.1); and 6 more; short protein forms M301K, M309K, M346K, M419K, M420K, M427K, M440K, M441K.
Identifiers: ClinVar variation 1313179 (VCV001313179.2), dbSNP rs2113651281, ClinGen allele CA362183898.